The following is an entry in ClinVar:

ClinVar aggregate classification (germline): Uncertain significance. Review status: criteria provided, multiple submitters, no conflicts (2 of 4 stars). 3 submissions from 3 submitters: Uncertain significance (3). Last evaluated 2025-12-15.

Conditions:
Inborn genetic diseases. Identifiers: MedGen C0950123, MeSH D030342.

Allele frequency attached by ClinVar (database versions not stated): gnomAD 0.00001; gnomAD exomes 0.00002; TOPMed 0.00002.
gnomAD v4.1: 20 of 1,224,506 alleles (0.0016%); highest among the groups gnomAD compares: Admixed American, 0.013%; no homozygotes.

Submissions (3):

Labcorp Genetics (formerly Invitae), Labcorp
Classification: Uncertain significance. Last evaluated: 2025-12-15. Review status: criteria provided, single submitter. Criteria: Invitae Variant Classification Sherloc (09022015). Collection method: clinical testing. Allele origin: germline.
Comment: This sequence change replaces serine, which is neutral and polar, with leucine, which is neutral and non-polar, at codon 59 of the KIAA1549 protein (p.Ser59Leu). This variant is present in population databases (no rsID available, gnomAD 0.1%). This variant has not been reported in the literature in individuals affected with KIAA1549-related conditions. ClinVar contains an entry for this variant (Variation ID: 1921428). An algorithm developed to predict the effect of missense changes on protein structure and function (PolyPhen-2) suggests that this variant is likely to be disruptive. In summary, the available evidence is currently insufficient to determine the role of this variant in disease. Therefore, it has been classified as a Variant of Uncertain Significance.

Blueprint Genetics
Classification: Uncertain significance. Last evaluated: 2024-07-19. Review status: criteria provided, single submitter. Criteria: ACMG Guidelines, 2015. Collection method: clinical testing. Allele origin: germline.

Ambry Genetics
Classification: Uncertain significance for Inborn genetic diseases. Last evaluated: 2022-11-17. Review status: criteria provided, single submitter. Criteria: Ambry Variant Classification Scheme 2023. Collection method: clinical testing. Allele origin: germline.

NM_001164665.2(KIAA1549):c.176C>T (p.Ser59Leu)

Gene: KIAA1549 (KIAA1549; minus strand). Cytogenetic location: 7q34.
Variant type: single nucleotide variant.
Coding change: c.176C>T on transcript NM_001164665.2 (MANE Select); coding-DNA position 176, C replaced by T.
Protein change: p.Ser59Leu; replaces serine 59 with leucine.
Molecular consequence: missense variant.
Genome position (GRCh38, 1-based): chr7:138,981,094, G>A on the plus strand (C>T on the coding strand, the complement: KIAA1549 is on the minus strand). VCF-style: chr7-138981094-G-A. GRCh37 (hg19) VCF-style: chr7-138665840-G-A.
Other names: c.176C>T, p.Ser59Leu (NM_020910.3); short protein forms S59L.
Identifiers: ClinVar variation 1921428 (VCV001921428.5), dbSNP rs1317899823, ClinGen allele CA369382134.